The following is an entry in ClinVar:

NM_001252024.2(TRPM1):c.4019C>T (p.Pro1340Leu)

Gene: TRPM1 (transient receptor potential cation channel subfamily M member 1; minus strand). Cytogenetic location: 15q13.3.
Variant type: single nucleotide variant.
Coding change: c.4019C>T on transcript NM_001252024.2 (MANE Select); coding-DNA position 4019, C replaced by T.
Protein change: p.Pro1340Leu; replaces proline 1340 with leucine.
Molecular consequence: missense variant.
Genome position (GRCh38, 1-based): chr15:31,002,681, G>A on the plus strand (C>T on the coding strand, the complement: TRPM1 is on the minus strand). VCF-style: chr15-31002681-G-A. GRCh37 (hg19) VCF-style: chr15-31294884-G-A.
Other names: c.4070C>T, p.Pro1357Leu (NM_001252020.2); c.3953C>T, p.Pro1318Leu (NM_002420.6); short protein forms P1318L, P1340L, P1357L.
Identifiers: ClinVar variation 1063499 (VCV001063499.9), dbSNP rs1213835175, ClinGen allele CA391529429.

ClinVar aggregate classification (germline): Uncertain significance (1 of 4 stars; one submission).

Allele frequency attached by ClinVar (database versions not stated): gnomAD exomes below 0.00001 and 0.00001; TOPMed below 0.00001; gnomAD 0.00001.
gnomAD v4.1: 12 of 1,614,048 alleles (0.00074%); highest among the groups gnomAD compares: Admixed American, 0.0017%; no homozygotes.

Submission:

Labcorp Genetics (formerly Invitae), Labcorp
Classification: Uncertain significance. Last evaluated: 2022-06-13. Review status: criteria provided, single submitter. Criteria: Invitae Variant Classification Sherloc (09022015). Collection method: clinical testing. Allele origin: germline.
Comment: In summary, the available evidence is currently insufficient to determine the role of this variant in disease. Therefore, it has been classified as a Variant of Uncertain Significance. Algorithms developed to predict the effect of missense changes on protein structure and function are either unavailable or do not agree on the potential impact of this missense change (SIFT: "Deleterious"; PolyPhen-2: "Possibly Damaging"; Align-GVGD: "Class C0"). ClinVar contains an entry for this variant (Variation ID: 1063499). This variant has not been reported in the literature in individuals affected with TRPM1-related conditions. This variant is present in population databases (no rsID available, gnomAD 0.003%). This sequence change replaces proline, which is neutral and non-polar, with leucine, which is neutral and non-polar, at codon 1318 of the TRPM1 protein (p.Pro1318Leu).